The following is an entry in ClinVar:

ClinVar aggregate classification (germline): Uncertain significance. Review status: criteria provided, multiple submitters, no conflicts (2 of 4 stars). 2 submissions from 2 submitters: Uncertain significance (2). Last evaluated 2025-12-12.

Conditions:
LZTR1-related schwannomatosis. Also called: Schwannomatosis 2; Schwannomatosis-2, susceptibility to. Identifiers: Orphanet 93921, MedGen C3810283, MONDO:0014299, OMIM 615670.
Hereditary cancer-predisposing syndrome. Also called: Neoplastic Syndromes, Hereditary; Tumor predisposition; Hereditary neoplastic syndrome; Hereditary Cancer Syndrome. Identifiers: Orphanet 140162, MedGen C0027672, MeSH D009386, MONDO:0015356.
Cardiovascular phenotype. Identifiers: MedGen CN230736.

Allele frequency attached by ClinVar (database versions not stated): TOPMed below 0.00001; gnomAD 0.00001.
gnomAD v4.1: 1 of 1,607,980 alleles (0.000062%); highest among the groups gnomAD compares: Non-Finnish European, 0.000085%; no homozygotes.

Submissions (2):

Ambry Genetics
Classification: Uncertain significance for Cardiovascular phenotype; Hereditary cancer-predisposing syndrome. Last evaluated: 2025-12-12. Review status: criteria provided, single submitter. Criteria: Ambry Variant Classification Scheme 2023. Collection method: clinical testing. Allele origin: germline.
Comment: The p.H32Y variant (also known as c.94C>T), located in coding exon 1 of the LZTR1 gene, results from a C to T substitution at nucleotide position 94. The histidine at codon 32 is replaced by tyrosine, an amino acid with similar properties. This amino acid position is conserved. In addition, the in silico prediction for this alteration is inconclusive. Based on the available evidence, the clinical significance of this variant remains unclear.

Baylor Genetics
Classification: Uncertain significance for LZTR1-related schwannomatosis. Last evaluated: 2024-02-09. Review status: criteria provided, single submitter. Criteria: ACMG Guidelines, 2015. Collection method: clinical testing. Allele origin: unknown.

NM_006767.4(LZTR1):c.94C>T (p.His32Tyr)

Genes: LZTR1 (leucine zipper like post translational regulator 1; plus strand), LOC130067016 (ATAC-STARR-seq lymphoblastoid silent region 13504; plus strand). Cytogenetic location: 22q11.21.
Variant type: single nucleotide variant.
Coding change: c.94C>T on transcript NM_006767.4 (MANE Select); coding-DNA position 94, C replaced by T.
Protein change: p.His32Tyr; replaces histidine 32 with tyrosine.
Molecular consequence: missense variant.
Genome position (GRCh38, 1-based): chr22:20,982,465, C>T. VCF-style: chr22-20982465-C-T. GRCh37 (hg19) VCF-style: chr22-21336754-C-T.
Other names: short protein forms H32Y.
Identifiers: ClinVar variation 3238375 (VCV003238375.3), dbSNP rs1355678924.